The following is an entry in ClinVar:

NM_006231.4(POLE):c.1691C>G (p.Pro564Arg)

Gene: POLE (DNA polymerase epsilon, catalytic subunit; minus strand). Cytogenetic location: 12q24.33.
Variant type: single nucleotide variant.
Coding change: c.1691C>G on transcript NM_006231.4 (MANE Select); coding-DNA position 1691, C replaced by G.
Protein change: p.Pro564Arg; replaces proline 564 with arginine.
Molecular consequence: missense variant.
Genome position (GRCh38, 1-based): chr12:132,672,318, G>C on the plus strand (C>G on the coding strand, the complement: POLE is on the minus strand). VCF-style: chr12-132672318-G-C. GRCh37 (hg19) VCF-style: chr12-133248904-G-C.
Other names: c.1691C>G (NM_006231.2); short protein forms P564R.
Identifiers: ClinVar variation 1957392 (VCV001957392.6), dbSNP rs1307922680, ClinGen allele CA387356415.

ClinVar aggregate classification (germline): Uncertain significance. Review status: criteria provided, multiple submitters, no conflicts (2 of 4 stars). 2 submissions from 2 submitters: Uncertain significance (2). Last evaluated 2025-08-20.

Conditions:
Hereditary cancer-predisposing syndrome. Also called: Hereditary Cancer Syndrome; Hereditary neoplastic syndrome; Tumor predisposition; Neoplastic Syndromes, Hereditary. Identifiers: Orphanet 140162, MedGen C0027672, MeSH D009386, MONDO:0015356.

Submissions (2):

Labcorp Genetics (formerly Invitae), Labcorp
Classification: Uncertain significance. Last evaluated: 2025-08-20. Review status: criteria provided, single submitter. Criteria: Invitae Variant Classification Sherloc (09022015). Collection method: clinical testing. Allele origin: germline.
Comment: This sequence change replaces proline, which is neutral and non-polar, with arginine, which is basic and polar, at codon 564 of the POLE protein (p.Pro564Arg). This variant is not present in population databases (gnomAD no frequency). This variant has not been reported in the literature in individuals affected with POLE-related conditions. ClinVar contains an entry for this variant (Variation ID: 1957392). Invitae Evidence Modeling of protein sequence and biophysical properties (such as structural, functional, and spatial information, amino acid conservation, physicochemical variation, residue mobility, and thermodynamic stability) indicates that this missense variant is expected to disrupt POLE protein function with a positive predictive value of 80%. In summary, the available evidence is currently insufficient to determine the role of this variant in disease. Therefore, it has been classified as a Variant of Uncertain Significance.

Ambry Genetics
Classification: Uncertain significance for Hereditary cancer-predisposing syndrome. Last evaluated: 2024-08-19. Review status: criteria provided, single submitter. Criteria: Ambry Variant Classification Scheme 2023. Collection method: clinical testing. Allele origin: germline.
Comment: The p.P564R variant (also known as c.1691C>G), located in coding exon 16 of the POLE gene, results from a C to G substitution at nucleotide position 1691. The proline at codon 564 is replaced by arginine, an amino acid with dissimilar properties. This amino acid position is conserved. In addition, the in silico prediction for this alteration is inconclusive. Based on the available evidence, the clinical significance of this variant remains unclear.